The following is an entry in ClinVar:

ClinVar aggregate classification (germline): Uncertain significance (1 of 4 stars; one submission).

Conditions:
Charcot-Marie-Tooth disease, type I (CMT1). Also called: Charcot-Marie-Tooth, Type 1; Charcot-Marie-Tooth disease type 1. Identifiers: Orphanet 65753, MedGen C0751036, MONDO:0019011.

Allele frequency attached by ClinVar (database versions not stated): gnomAD exomes below 0.00001.
gnomAD v4.1: 1 of 1,613,194 alleles (0.000062%); highest among the groups gnomAD compares: Non-Finnish European, 0.000085%; no homozygotes.

Submission:

Labcorp Genetics (formerly Invitae), Labcorp
Classification: Uncertain significance for Charcot-Marie-Tooth disease, type I. Last evaluated: 2025-01-08. Review status: criteria provided, single submitter. Criteria: Invitae Variant Classification Sherloc (09022015). Collection method: clinical testing. Allele origin: germline.
Comment: This sequence change replaces lysine, which is basic and polar, with glutamic acid, which is acidic and polar, at codon 248 of the MPZ protein (p.Lys248Glu). This variant is not present in population databases (gnomAD no frequency). This variant has not been reported in the literature in individuals affected with MPZ-related conditions. ClinVar contains an entry for this variant (Variation ID: 2079408). An algorithm developed to predict the effect of missense changes on protein structure and function (PolyPhen-2) suggests that this variant is likely to be tolerated. In summary, the available evidence is currently insufficient to determine the role of this variant in disease. Therefore, it has been classified as a Variant of Uncertain Significance.

NM_000530.8(MPZ):c.742A>G (p.Lys248Glu)

Gene: MPZ (myelin protein zero; minus strand). Cytogenetic location: 1q23.3.
Variant type: single nucleotide variant.
Coding change: c.742A>G on transcript NM_000530.8 (MANE Select); coding-DNA position 742, A replaced by G.
Protein change: p.Lys248Glu; replaces lysine 248 with glutamic acid.
Molecular consequence: missense variant.
Genome position (GRCh38, 1-based): chr1:161,305,881, T>C on the plus strand (A>G on the coding strand, the complement: MPZ is on the minus strand). VCF-style: chr1-161305881-T-C. GRCh37 (hg19) VCF-style: chr1-161275671-T-C.
Other names: c.742A>G, p.Lys248Glu (NM_001315491.2); short protein forms K248E.
Identifiers: ClinVar variation 2079408 (VCV002079408.4), dbSNP rs1571816977, ClinGen allele CA343343751.
Genomic context (GRCh38, chr1:161,305,881, plus strand): 5'-GGCCTTTGGCGGACTCCACCCCTAACCCCCGATCCCCCGCCCGGCCCGCTAACCGCTATT[T>C]CTTATCCTTGCGAGACTCCCCCAGCCCCTTGGCCTTCTTCTCACTGACAGCTTTGGTGCT-3'
Protein context (NP_000521.2, residues 238-248): KGLGESRKDK[Lys248Glu]